The following is an entry in ClinVar:

ClinVar aggregate classification (germline): Uncertain significance (1 of 4 stars; one submission).

Allele frequency attached by ClinVar (database versions not stated): gnomAD 0.00001; ExAC 0.00003.
gnomAD v4.1: 13 of 1,613,608 alleles (0.00081%); highest among the groups gnomAD compares: East Asian, 0.0022%; no homozygotes.

Submission:

Labcorp Genetics (formerly Invitae), Labcorp
Classification: Uncertain significance. Last evaluated: 2022-12-06. Review status: criteria provided, single submitter. Criteria: Invitae Variant Classification Sherloc (09022015). Collection method: clinical testing. Allele origin: germline.
Comment: Advanced modeling of protein sequence and biophysical properties (such as structural, functional, and spatial information, amino acid conservation, physicochemical variation, residue mobility, and thermodynamic stability) performed at Invitae indicates that this missense variant is not expected to disrupt GTPBP3 protein function. ClinVar contains an entry for this variant (Variation ID: 1518180). This variant has not been reported in the literature in individuals affected with GTPBP3-related conditions. This variant is present in population databases (rs766510741, gnomAD 0.02%). This sequence change replaces arginine, which is basic and polar, with glutamine, which is neutral and polar, at codon 174 of the GTPBP3 protein (p.Arg174Gln). In summary, the available evidence is currently insufficient to determine the role of this variant in disease. Therefore, it has been classified as a Variant of Uncertain Significance.

NM_032620.4(GTPBP3):c.521G>A (p.Arg174Gln)

Gene: GTPBP3 (GTP binding protein 3, mitochondrial; plus strand). Cytogenetic location: 19p13.11.
Variant type: single nucleotide variant.
Coding change: c.521G>A on transcript NM_032620.4 (MANE Select); coding-DNA position 521, G replaced by A.
Protein change: p.Arg174Gln; replaces arginine 174 with glutamine.
Molecular consequence: missense variant.
Genome position (GRCh38, 1-based): chr19:17,338,671, G>A. VCF-style: chr19-17338671-G-A. GRCh37 (hg19) VCF-style: chr19-17449480-G-A.
Other names: c.521G>A, p.Arg174Gln (NM_001128855.3, NM_133644.4); c.587G>A, p.Arg196Gln (NM_001195422.1); short protein forms R174Q, R196Q.
Identifiers: ClinVar variation 1518180 (VCV001518180.6), dbSNP rs766510741, ClinGen allele CA9293382.